The following is an entry in ClinVar:

NM_183381.3(RNF13):c.655C>T (p.Arg219Cys)

Gene: RNF13 (ring finger protein 13; plus strand). Cytogenetic location: 3q25.1.
Variant type: single nucleotide variant.
Coding change: c.655C>T on transcript NM_183381.3 (MANE Select); coding-DNA position 655, C replaced by T.
Protein change: p.Arg219Cys; replaces arginine 219 with cysteine.
Molecular consequence: missense variant. On other transcripts: non-coding transcript variant (1).
Genome position (GRCh38, 1-based): chr3:149,921,182, C>T. VCF-style: chr3-149921182-C-T. GRCh37 (hg19) VCF-style: chr3-149638969-C-T.
Other names: c.655C>T, p.Arg219Cys (NM_001378285.1, NM_001378286.1, NM_007282.4); c.298C>T, p.Arg100Cys (NM_001378287.1, NM_001378288.1, NM_001378289.1 and 2 more transcripts); c.262C>T, p.Arg88Cys (NM_001378291.1); short protein forms R100C, R219C, R88C.
Identifiers: ClinVar variation 1660809 (VCV001660809.32), dbSNP rs143447610, ClinGen allele CA2663057.

ClinVar aggregate classification (germline): Benign/Likely benign. Review status: criteria provided, multiple submitters, no conflicts (2 of 4 stars). 2 submissions from 2 submitters: Benign (1); Likely benign (1). Last evaluated 2026-01-26.

Allele frequency attached by ClinVar (database versions not stated): ESP Exome Variant Server 0.00100; gnomAD 0.00156 and 0.00164; TOPMed 0.00166; 1000 Genomes Project 0.00200; 1000 Genomes Project 30x 0.00203.
gnomAD v4.1: 400 of 1,426,592 alleles (0.028%); highest among the groups gnomAD compares: African/African-American, 0.48%; 2 homozygotes.

Submissions (2):

Labcorp Genetics (formerly Invitae), Labcorp
Classification: Likely benign. Last evaluated: 2026-01-26. Review status: criteria provided, single submitter. Criteria: Invitae Variant Classification Sherloc (09022015). Collection method: clinical testing. Allele origin: germline.

CeGaT Center for Human Genetics Tuebingen
Classification: Benign. Last evaluated: 2022-09-01. Review status: criteria provided, single submitter. Criteria: CeGaT Center For Human Genetics Tuebingen Variant Classification Criteria Version 2. Collection method: clinical testing. Allele origin: germline. Affected: yes. Observed: 1 variant allele.
Comment: RNF13: BS1, BS2